The following is an entry in ClinVar:

ClinVar aggregate classification (germline): Uncertain significance. Review status: criteria provided, multiple submitters, no conflicts (2 of 4 stars). 2 submissions from 2 submitters: Uncertain significance (2). Last evaluated 2025-01-27.

Submissions (2):

Labcorp Genetics (formerly Invitae), Labcorp
Classification: Uncertain significance. Last evaluated: 2025-01-27. Review status: criteria provided, single submitter. Criteria: Invitae Variant Classification Sherloc (09022015). Collection method: clinical testing. Allele origin: germline.
Comment: This sequence change falls in intron 13 of the P3H2 gene. It does not directly change the encoded amino acid sequence of the P3H2 protein. This variant is present in population databases (no rsID available, gnomAD 0.009%). This variant has not been reported in the literature in individuals affected with P3H2-related conditions. ClinVar contains an entry for this variant (Variation ID: 1470021). In summary, the available evidence is currently insufficient to determine the role of this variant in disease. Therefore, it has been classified as a Variant of Uncertain Significance.

Blueprint Genetics
Classification: Uncertain significance. Last evaluated: 2024-01-11. Review status: criteria provided, single submitter. Criteria: ACMG Guidelines, 2015. Collection method: clinical testing. Allele origin: germline.

NM_018192.4(P3H2):c.1892_1893+7dup

Gene: P3H2 (prolyl 3-hydroxylase 2; minus strand). Cytogenetic location: 3q28.
Variant type: Duplication.
Coding change: c.1892_1893+7dup on transcript NM_018192.4 (MANE Select); coding-DNA position 1892 through 7 bases into the intron after coding-DNA position 1893, 9 bases duplicated (CTGTAAGTA; older notation c.1892_1893+7dupCTGTAAGTA).
Molecular consequence: splice donor variant.
Genome position (GRCh38, 1-based): chr3:189,970,809-189,970,817, TACTTACAG duplicated on the plus strand (CTGTAAGTA on the coding strand, the reverse complement: P3H2 is on the minus strand); duplicating any 9 consecutive bases within chr3:189,970,809-189,970,818 gives the same sequence; the c. name uses the placement nearest the transcript's 3' end. VCF-style (leftmost placement, unchanged base first): chr3-189970808-T-TTACTTACAG. GRCh37 (hg19) VCF-style: chr3-189688597-T-TTACTTACAG.
Other names: c.1349_1350+7dup (NM_001134418.2).
Identifiers: ClinVar variation 1470021 (VCV001470021.7), dbSNP rs1301352530, ClinGen allele CA548493323.